The following is an entry in ClinVar:

ClinVar aggregate classification (germline): Uncertain significance. Review status: reviewed by expert panel (3 of 4 stars). 3 submissions from 3 submitters: Uncertain significance (1). 2 of the submissions do not count toward it. Last evaluated 2024-02-19.

Conditions:
Deep venous thrombosis. Also called: Deep vein thrombosis. Identifiers: MedGen C0149871, MeSH D020246, HP:0002625.
Hereditary antithrombin deficiency (AT3D). Also called: Antithrombin III deficiency; Thrombophilia due to antithrombin III deficiency; Antithrombin deficiency; Reduced antithrombin III activity. Identifiers: Orphanet 82, MedGen C0272375, MONDO:0013144, OMIM 613118, HP:0001976.

Submissions (3):

Clingen Thrombosis Variant Curation Expert Panel, ClinGen
Classification: Uncertain significance for Hereditary antithrombin deficiency. Last evaluated: 2024-02-19. Review status: reviewed by expert panel. Criteria: ClinGen ACMG Specifications SERPINC1 V1.0.0. Collection method: curation. Allele origin: germline. Inheritance: Autosomal dominant inheritance.
Comment: The c.1315C>T (NM_000488.3) variant in SERPINC1 is a missense variant predicted to cause substitution of proline by serine at amino acid 439 (p.Pro439Ser). This variant is completely absent from gnomAD v2.1.1, v3.1.2 and v4.0.0 (PM2_Supporting). One proband with this variant is reported in the literature but cannot be counted towards PS4 as the AT levels of this patient are not published. The computational predictor REVEL gives a score of 0.901, which is above the threshold of 0.6, evidence that correlates with impact to SERPINC1 function (PP3). Another missense variant c.1315C>A (p.Pro439Thr) (ClinVarID:627228) in the same codon has been classified as pathogenic for autosomal dominant antithrombin III deficiency by the ClinGen Thrombosis VCEP (PM5). In summary, this variant meets the criteria to be classified as uncertain significance due to insufficient evidence for autosomal dominant hereditary antithrombin deficiency based on the ACMG/AMP criteria applied, as specified by the ClinGen Thrombosis VCEP: PM5, PP3, PM2_Supporting. (ClinGen Thrombosis Expert Panel Specifications to the ACMG/AMP Variant Interpretation Guidelines for SERPINC1 Version 1.0.0; date of approval)

Labcorp Genetics (formerly Invitae), Labcorp
Classification: Uncertain significance for Hereditary antithrombin deficiency. Last evaluated: 2021-08-13. Review status: criteria provided, single submitter. Criteria: Invitae Variant Classification Sherloc (09022015). Collection method: clinical testing. Allele origin: germline. Not counted in ClinVar's aggregate classification.
Comment: This sequence change replaces proline with serine at codon 439 of the SERPINC1 protein (p.Pro439Ser). The proline residue is highly conserved and there is a moderate physicochemical difference between proline and serine. This variant is not present in population databases (ExAC no frequency). This variant has not been reported in the literature in individuals affected with SERPINC1-related conditions. Algorithms developed to predict the effect of missense changes on protein structure and function (SIFT, PolyPhen-2, Align-GVGD) all suggest that this variant is likely to be disruptive. Algorithms developed to predict the effect of sequence changes on RNA splicing suggest that this variant may create or strengthen a splice site. This variant disrupts the p.Pro439 amino acid residue in SERPINC1. Other variant(s) that disrupt this residue have been determined to be pathogenic (Invitae). This suggests that this residue is clinically significant, and that variants that disrupt this residue are likely to be disease-causing. In summary, the available evidence is currently insufficient to determine the role of this variant in disease. Therefore, it has been classified as a Variant of Uncertain Significance.

NIHR Bioresource Rare Diseases, University of Cambridge
Classification: Likely pathogenic for Deep venous thrombosis. Last evaluated: 2019-02-01. Review status: criteria provided, single submitter. Criteria: ACMG Guidelines, 2015. Collection method: research. Allele origin: unknown. Affected: yes. Observed: 1 heterozygote. Study: ThromboGenomics. Not counted in ClinVar's aggregate classification.

Literature cited by the submitters: PubMed 31064749 (cited by NIHR Bioresource Rare Diseases, University of Cambridge).

NM_000488.4(SERPINC1):c.1315C>T (p.Pro439Ser)

Gene: SERPINC1 (serpin family C member 1; minus strand). Cytogenetic location: 1q25.1.
Variant type: single nucleotide variant.
Coding change: c.1315C>T on transcript NM_000488.4 (MANE Select); coding-DNA position 1315, C replaced by T.
Protein change: p.Pro439Ser; replaces proline 439 with serine.
Molecular consequence: missense variant.
Genome position (GRCh38, 1-based): chr1:173,903,969, G>A on the plus strand (C>T on the coding strand, the complement: SERPINC1 is on the minus strand). VCF-style: chr1-173903969-G-A. GRCh37 (hg19) VCF-style: chr1-173873107-G-A.
Other names: NM_000488.3(SERPINC1):c.1315C>T; p.Pro439Ser; c.1171C>T, p.Pro391Ser (NM_001365052.2); c.1438C>T, p.Pro480Ser (NM_001386302.1); c.1396C>T, p.Pro466Ser (NM_001386303.1); c.1294C>T, p.Pro432Ser (NM_001386304.1); c.1258C>T, p.Pro420Ser (NM_001386305.1); c.1099C>T, p.Pro367Ser (NM_001386306.1); short protein forms P439S, P391S, P367S, P420S, P432S, P466S, P480S.
Identifiers: ClinVar variation 529741 (VCV000529741.6), dbSNP rs1487411568, ClinGen allele CA343772365.